The following is an entry in ClinVar:

ClinVar aggregate classification (germline): Conflicting classifications of pathogenicity. Review status: criteria provided, conflicting classifications (1 of 4 stars). 17 submissions from 17 submitters: Likely pathogenic (9); Uncertain significance (6). 2 of the submissions do not count toward it. Last evaluated 2026-06-30.

Conditions:
CFTR-related disorder (CFTR-RD). Also called: CFTR-related disorders; CFTR-related condition. Identifiers: MedGen C5924204, MONDO:7770004.
Cystic fibrosis (CF). Also called: MUCOVISCIDOSIS. Identifiers: Orphanet 586, MedGen C0010674, MONDO:0009061, OMIM 219700. Disease mechanism: loss of function.
Congenital bilateral aplasia of vas deferens from CFTR mutation (CBAVD). Identifiers: Orphanet 48, MedGen C0403814, MONDO:0010178, OMIM 277180. Disease mechanism: loss of function.
Infertility disorder. Also called: Infertility. Identifiers: MedGen C0021359, MeSH D007246, MONDO:0005047, HP:0000789.
Bronchiectasis with or without elevated sweat chloride 1 (BESC1). Also called: Cystic Fibrosis-Like Syndrome. Identifiers: Orphanet 60033, MedGen C2749757, MONDO:0008887, OMIM 211400.

Allele frequency attached by ClinVar (database versions not stated): gnomAD exomes 0.00004; gnomAD 0.00005; TOPMed 0.00005; ExAC 0.00002.

Submissions 1 to 9 of 17:

Women's Health and Genetics/Laboratory Corporation of America, LabCorp
Classification: Uncertain significance. Last evaluated: 2026-06-30. Review status: criteria provided, single submitter. Criteria: LabCorp Variant Classification Summary - May 2015. Collection method: clinical testing. Allele origin: germline.
Comment: Variant summary: CFTR c.3409A>G (p.Met1137Val) results in a conservative amino acid change in the encoded protein sequence. Algorithms developed to predict the effect of missense changes on protein structure and function are either unavailable or do not agree on the potential impact of this missense change. The variant allele was found at a frequency of 3.6e-05 in 252866 control chromosomes. c.3409A>G has been observed in compound heterozygous individuals affected with cystic fibrosis (CF) who carried a pathogenic variant in trans (e.g. Clarke_2018, Iuliano_2009) but was also reported in an individual with neonatal hypertrypsinaemia, but normal sweat test, who was compound heterozygous for the variant and the delta508 allele (Castellani_2001). The variant was also found in a patient diagnosed with congenital bilateral absence of the vas deferens (CBAVD), who was a compound heterozygote with a complex allele classified as pathogenic for CFTR-related disorders by our lab (El-Seedy_2012). In addition, the variant was reported in individuals affected with CF-related- or unspecified phenotypes (e.g. Durno_2002, El-Seedy_2012, Green_2010, Bombieri_1998, Trujillano_2015, Castellani_2001, Eski_2019), however without strong evidence for causality (i.e. lack of second CFTR variant and co-segregation evidence). These data indicate that the variant may be associated with disease. At least one publication reported experimental evidence evaluating an impact on protein function, and demonstrated decreased channel activity and or conductance, but no visible effect on protein maturation (Vankeerberghen_1998, Bihler_2024). The following publications have been ascertained in the context of this evaluation (PMID: 38388235, 9921909, 11303517, 30488522, 12454843, 22678879, 20932301, 19587087, 25910067, 8644755, 7543317, 11845002, 26436105, 9804160, 34996830, 18597042, 25735457, 12940920, 34740355, 33988008, 38452742, 22573477, 12529713, 34426522, 39532587, 34405919, 9192947, 11504857, 16442101, 23791427). ClinVar contains an entry for this variant (Variation ID: 53733). Based on the evidence outlined above, the variant was classified as VUS-possibly pathogenic.

GeneDx
Classification: Uncertain significance. Last evaluated: 2026-03-20. Review status: criteria provided, single submitter. Criteria: GeneDx Variant Classification Process June 2021. Collection method: clinical testing. Allele origin: germline.
Comment: Classified as a variant of varying clinical consequence in a well-curated database (CFTR2); Observed in individuals with features of cystic fibrosis, congenital absence of the vas deferens, or bronchiectasis, with and without additional CFTR variants reported, but familial segregation information and additional clinical information was not included (PMID: 19587087, 22678879, 7543317); Reported with a CF-causing variant, phase unknown, in an infant with a positive newborn screen for cystic fibrosis and normal sweat chloride test result (PMID: 11303517); Functional studies regarding chloride conductance demonstrate a significant reduction in chloride channel activity, though not as severe as CF-causing variants. Additionally, CFTR-mediated bicarbonate transport was not measured and normalization of expression to transfection efficiency was not discussed (PMID: 38388235); In silico analysis suggests that this missense variant does not alter protein structure/function; This variant is associated with the following publications: (PMID: 34426522, 34995514, 25735457, 22573477, 18597042, 11504857, 9804160, 30488522, 7543317, 33988008, 8644755, 9192947, 34405919, 34740355, 16442101, 23791427, 26436105, 12529713, 39532587, 25910067, 34996830, 12940920, 22678879, 38452742, 9921909, 20932301, 12454843, 11845002, 19587087, 11303517, 38388235)

Dasa
Classification: Likely pathogenic. Last evaluated: 2026-03-16. Review status: criteria provided, single submitter. Criteria: DASA Assertion Criteria. Collection method: clinical testing. Allele origin: germline.
Comment: NM_000492.4(CFTR):c.3409A>G (p.Met1137Val) is a missense variant that results in the substitution of methionine with valine. Functional evidence supports a deleterious effect on the gene or gene product (PMID: 9804160; PMID: 921909; PMID: 19587087; PMID: 20932301; PMID: 22678879). This variant has been recurrently observed in individuals with related phenotype (PMID: 9804160; PMID: 921909; PMID: 19587087; PMID: 20932301; PMID: 22678879). Multiple computational predictions support a deleterious effect on the gene or gene product. The variant is present at low frequency in population datasets. Based on the available data, this variant is classified as likely pathogenic.

Natera, Inc.
Classification: Likely pathogenic for CFTR-related disorders. Last evaluated: 2026-01-20. Review status: criteria provided, single submitter. Criteria: Natera Variant Classification Schema (03/2026). Collection method: clinical testing. Allele origin: germline.
Comment: The c.3409A>G variant in CFTR is a missense variant predicted to cause substitution of methionine to valine at amino acid 1137. This variant is rare in the general population with a frequency below the threshold expected for the associated phenotype(s). This variant has been observed in one or more individuals affected with the associated recessive disease, as either homozygous or compound heterozygous with a second variant (PMID: 30488522, 25910067, 11303517). Additionally, this variant has been observed to segregate in affected family members (PMID: 25910067). Computational prediction algorithms indicate this variant is likely to affect gene or protein function. Given the available evidence, this variant is classified as Likely Pathogenic.

Ambry Genetics
Classification: Likely pathogenic for Cystic fibrosis. Last evaluated: 2025-07-29. Review status: criteria provided, single submitter. Criteria: Ambry Variant Classification Scheme 2023. Collection method: clinical testing. Allele origin: germline.
Comment: The p.M1137V variant (also known as c.3409A>G), located in coding exon 21 of the CFTR gene, results from an A to G substitution at nucleotide position 3409. The methionine at codon 1137 is replaced by valine, an amino acid with highly similar properties. This variant has been detected in individuals diagnosed with cystic fibrosis or congenital bilateral absence of the vas deferens who carried an additional pathogenic/likely pathogenic CFTR variant (Iuliano L et al. Am J Clin Nutr, 2009 Sep;90:477-84; El-Seedy A et al. Hum Mutat, 2012 Nov;33:1557-65; Jabr S et al. Prostaglandins Leukot Essent Fatty Acids, 2013 Aug;89:121-6; Clarke LA et al. Hum Mutat, 2019 Mar;40:326-334). However, it has also been detected in trans with p.F508del in a neonate who had elevated immunoreactive trypsinogen concentration, but normal sweat chloride level (Castellani C et al. J Med Genet, 2001 Mar;38:202-5). Based on internal structural analysis, M1137V is more disruptive than several internally pathogenic variants within the same transmembrane domain (Fiedorczuk K et al. Cell, 2022 Jan;185:158-168.e11). In a functional study, M1137V did not affect protein maturation, but significantly reduced cAMP-activated whole cell chloride currents (Vankeerberghen A et al. FEBS Lett., 1998 Oct;437:1-4). This amino acid position is highly conserved in available vertebrate species. In addition, this alteration is predicted to be deleterious by in silico analysis. Based on available evidence to date, this variant is unlikely to be causative of classic cystic fibrosis; however, it likely contributes to the development of a CFTR-related disorder.

First Genomix Gene Laboratory, Genetic Diagnostics Department
Classification: Likely pathogenic for Congenital bilateral aplasia of vas deferens from CFTR mutation; Cystic fibrosis. Last evaluated: 2025-03-14. Review status: criteria provided, single submitter. Criteria: ACMG Guidelines, 2015. Collection method: clinical testing. Allele origin: germline. Inheritance: Autosomal recessive inheritance. Affected: no. Observed: 1 variant allele.

Revvity Omics, Revvity
Classification: Likely pathogenic. Last evaluated: 2024-09-25. Review status: criteria provided, single submitter. Criteria: ACMG Guidelines, 2015. Collection method: clinical testing. Allele origin: germline.

Blueprint Genetics
Classification: Uncertain significance. Last evaluated: 2024-08-27. Review status: criteria provided, single submitter. Criteria: ACMG Guidelines, 2015. Collection method: clinical testing. Allele origin: germline.

Baylor Genetics
Classification: Likely pathogenic for Bronchiectasis with or without elevated sweat chloride 1. Last evaluated: 2024-03-27. Review status: criteria provided, single submitter. Criteria: ACMG Guidelines, 2015. Collection method: clinical testing. Allele origin: unknown.

NM_000492.4(CFTR):c.3409A>G (p.Met1137Val)

Genes: CFTR (CF transmembrane conductance regulator; plus strand), CFTR-AS2 (CFTR antisense RNA 2; minus strand). Cytogenetic location: 7q31.2.
Variant type: single nucleotide variant.
Coding change: c.3409A>G on transcript NM_000492.4 (MANE Select); coding-DNA position 3409, A replaced by G.
Protein change: p.Met1137Val; replaces methionine 1137 with valine.
Molecular consequence: missense variant.
Genome position (GRCh38, 1-based): chr7:117,614,654, A>G. VCF-style: chr7-117614654-A-G. GRCh37 (hg19) VCF-style: chr7-117254708-A-G.
Other names: short protein forms M1137V.
Identifiers: ClinVar variation 53733 (VCV000053733.36), dbSNP rs397508553, ClinGen allele CA327169.
Genomic context (GRCh38, chr7:117,614,654, plus strand): 5'-GTCTTTTGTGCATCTATAGGAGAAGGAGAAGGAAGAGTTGGTATTATCCTGACTTTAGCC[A>G]TGAATATCATGAGTACATTGCAGTGGGCTGTAAACTCCAGCATAGATGTGGATAGCTTGG-3'
Protein context (NP_000483.3, residues 1127-1147): GRVGIILTLA[Met1137Val]NIMSTLQWAV